The following is an entry in ClinVar:

NM_000059.4(BRCA2):c.6265G>A (p.Glu2089Lys)

Gene: BRCA2 (BRCA2 DNA repair associated; plus strand). Cytogenetic location: 13q13.1.
Variant type: single nucleotide variant.
Coding change: c.6265G>A on transcript NM_000059.4 (MANE Select); coding-DNA position 6265, G replaced by A.
Protein change: p.Glu2089Lys; replaces glutamic acid 2089 with lysine.
Molecular consequence: missense variant.
Genome position (GRCh38, 1-based): chr13:32,340,620, G>A. VCF-style: chr13-32340620-G-A. GRCh37 (hg19) VCF-style: chr13-32914757-G-A.
Other names: short protein forms E2089K.
Identifiers: ClinVar variation 959145 (VCV000959145.11), dbSNP rs2072550502, ClinGen allele CA387788957.

ClinVar aggregate classification (germline): Conflicting classifications of pathogenicity. Review status: criteria provided, conflicting classifications (1 of 4 stars). 2 submissions from 2 submitters: Uncertain significance (1); Likely benign (1). Last evaluated 2023-03-23.

Conditions:
Hereditary cancer-predisposing syndrome. Also called: Tumor predisposition; Hereditary neoplastic syndrome; Neoplastic Syndromes, Hereditary; Hereditary Cancer Syndrome. Identifiers: Orphanet 140162, MedGen C0027672, MeSH D009386, MONDO:0015356.
Hereditary breast ovarian cancer syndrome. Also called: Hereditary breast and ovarian cancer; BRCA1- and BRCA2-Associated Hereditary Breast and Ovarian Cancer; Hereditary breast and/or ovarian cancer syndrome; Hereditary breast and ovarian cancer syndrome; Hereditary breast and ovarian cancer syndrome (HBOC); Breast and ovarian cancer. Identifiers: Orphanet 145, MedGen C0677776, MeSH D061325, MONDO:0003582. Disease mechanism: loss of function.

Submissions (2):

University of Washington Department of Laboratory Medicine, University of Washington
Classification: Likely benign for Hereditary cancer-predisposing syndrome. Last evaluated: 2023-03-23. Review status: criteria provided, single submitter. Criteria: Dines et al. (Genet Med. 2020). Collection method: curation. Allele origin: germline.
Comment: Missense variant in a coldspot region where missense variants are very unlikely to be pathogenic (PMID:31911673).

BRCA2 exon 11 coldspot. Reclassification based on statistical prior probability.

Labcorp Genetics (formerly Invitae), Labcorp
Classification: Uncertain significance for Hereditary breast ovarian cancer syndrome. Last evaluated: 2019-07-23. Review status: criteria provided, single submitter. Criteria: Invitae Variant Classification Sherloc (09022015). Collection method: clinical testing. Allele origin: germline.
Comment: This variant is not present in population databases (ExAC no frequency). This variant has not been reported in the literature in individuals with BRCA2-related conditions. Algorithms developed to predict the effect of missense changes on protein structure and function (SIFT, PolyPhen-2, Align-GVGD) all suggest that this variant is likely to be tolerated, but these predictions have not been confirmed by published functional studies and their clinical significance is uncertain. In summary, the available evidence is currently insufficient to determine the role of this variant in disease. Therefore, it has been classified as a Variant of Uncertain Significance. This sequence change replaces glutamic acid with lysine at codon 2089 of the BRCA2 protein (p.Glu2089Lys). The glutamic acid residue is moderately conserved and there is a small physicochemical difference between glutamic acid and lysine.